The following is an entry in ClinVar:

NM_194302.4(CFAP65):c.4023A>T (p.Ser1341=)

Genes: CFAP65 (cilia and flagella associated protein 65; minus strand), CFAP65-AS1 (CFAP65 antisense RNA 1; plus strand). Cytogenetic location: 2q35.
Variant type: single nucleotide variant.
Coding change: c.4023A>T on transcript NM_194302.4 (MANE Select); coding-DNA position 4023, A replaced by T.
Protein change: p.Ser1341=; no amino-acid change (serine 1341 retained).
Molecular consequence: synonymous variant.
Genome position (GRCh38, 1-based): chr2:219,010,931, T>A on the plus strand (A>T on the coding strand, the complement: CFAP65 is on the minus strand). VCF-style: chr2-219010931-T-A. GRCh37 (hg19) VCF-style: chr2-219875653-T-A.
Identifiers: ClinVar variation 3388517 (VCV003388517.14).

ClinVar aggregate classification (germline): Likely benign (1 of 4 stars; one submission).

gnomAD v4.1: 361 of 1,613,920 alleles (0.022%); highest among the groups gnomAD compares: Non-Finnish European, 0.022%; no homozygotes.

Submission:

CeGaT Center for Human Genetics Tuebingen
Classification: Likely benign. Last evaluated: 2024-09-01. Review status: criteria provided, single submitter. Criteria: CeGaT Center For Human Genetics Tuebingen Variant Classification Criteria Version 2. Collection method: clinical testing. Allele origin: germline. Affected: yes. Observed: 1 variant allele.
Comment: CFAP65: BP4, BP7